The following is an entry in ClinVar:

NM_000424.4(KRT5):c.34G>A (p.Gly12Arg)

Gene: KRT5 (keratin 5; minus strand). Cytogenetic location: 12q13.13.
Variant type: single nucleotide variant.
Coding change: c.34G>A on transcript NM_000424.4 (MANE Select); coding-DNA position 34, G replaced by A.
Protein change: p.Gly12Arg; replaces glycine 12 with arginine.
Molecular consequence: missense variant.
Genome position (GRCh38, 1-based): chr12:52,520,263, C>T on the plus strand (G>A on the coding strand, the complement: KRT5 is on the minus strand). VCF-style: chr12-52520263-C-T. GRCh37 (hg19) VCF-style: chr12-52914047-C-T.
Other names: short protein forms G12R.
Identifiers: ClinVar variation 3780980 (VCV003780980.2).

ClinVar aggregate classification (germline): Uncertain significance (1 of 4 stars; one submission).

gnomAD v4.1: 58 of 1,613,674 alleles (0.0036%); highest among the groups gnomAD compares: East Asian, 0.018%; no homozygotes.

Submission:

GeneDx
Classification: Uncertain significance. Last evaluated: 2026-01-08. Review status: criteria provided, single submitter. Criteria: GeneDx Variant Classification Process June 2021. Collection method: clinical testing. Allele origin: germline. Affected: yes.
Comment: Has not been previously published as pathogenic or benign to our knowledge; In silico analysis supports that this missense variant has a deleterious effect on protein structure/function